The following is an entry in ClinVar:

ClinVar aggregate classification (germline): Uncertain significance (1 of 4 stars; one submission).

Conditions:
Hypertrophic cardiomyopathy. Also called: HYPERTROPHIC MYOCARDIOPATHY. Identifiers: Orphanet 217569, MedGen C0007194, MeSH D002312, MONDO:0005045, HP:0001639.

Allele frequency attached by ClinVar (database versions not stated): ExAC 0.00001.

Submission:

Labcorp Genetics (formerly Invitae), Labcorp
Classification: Uncertain significance for Hypertrophic cardiomyopathy. Last evaluated: 2020-12-22. Review status: criteria provided, single submitter. Criteria: Invitae Variant Classification Sherloc (09022015). Collection method: clinical testing. Allele origin: germline.
Comment: This sequence change replaces threonine with isoleucine at codon 1137 of the MYOM1 protein (p.Thr1137Ile). The threonine residue is moderately conserved and there is a moderate physicochemical difference between threonine and isoleucine. The frequency data for this variant in the population databases is considered unreliable, as metrics indicate poor data quality at this position in the ExAC database. This variant has not been reported in the literature in individuals with MYOM1-related conditions. Algorithms developed to predict the effect of missense changes on protein structure and function are either unavailable or do not agree on the potential impact of this missense change (SIFT: "Tolerated"; PolyPhen-2: "Probably Damaging"; Align-GVGD: "Class C0"). In summary, the available evidence is currently insufficient to determine the role of this variant in disease. Therefore, it has been classified as a Variant of Uncertain Significance.

NM_003803.4(MYOM1):c.3410C>T (p.Thr1137Ile)

Gene: MYOM1 (myomesin 1; minus strand). Cytogenetic location: 18p11.31.
Variant type: single nucleotide variant.
Coding change: c.3410C>T on transcript NM_003803.4 (MANE Select); coding-DNA position 3410, C replaced by T.
Protein change: p.Thr1137Ile; replaces threonine 1137 with isoleucine.
Molecular consequence: missense variant.
Genome position (GRCh38, 1-based): chr18:3,112,306, G>A on the plus strand (C>T on the coding strand, the complement: MYOM1 is on the minus strand). VCF-style: chr18-3112306-G-A. GRCh37 (hg19) VCF-style: chr18-3112304-G-A.
Other names: c.3122C>T, p.Thr1041Ile (NM_019856.2); short protein forms T1137I, T1041I.
Identifiers: ClinVar variation 1465474 (VCV001465474.8), dbSNP rs763744233, ClinGen allele CA8874314.